The following is an entry in ClinVar:

ClinVar aggregate classification (germline): Uncertain significance (1 of 4 stars; one submission).

Allele frequency attached by ClinVar (database versions not stated): TOPMed 0.00002.

Submission:

GeneDx
Classification: Uncertain significance. Last evaluated: 2023-05-04. Review status: criteria provided, single submitter. Criteria: GeneDx Variant Classification Process June 2021. Collection method: clinical testing. Allele origin: germline. Affected: yes.
Comment: Not observed at significant frequency in large population cohorts (gnomAD); In silico analysis supports that this missense variant has a deleterious effect on protein structure/function; Has not been previously published as pathogenic or benign to our knowledge; In silico analysis suggests this variant may impact gene splicing. In the absence of RNA/functional studies, the actual effect of this sequence change is unknown.

NM_001318510.2(ACSL4):c.181C>G (p.Leu61Val)

Gene: ACSL4 (acyl-CoA synthetase long chain family member 4; minus strand). Cytogenetic location: Xq23.
Variant type: single nucleotide variant.
Coding change: c.181C>G on transcript NM_001318510.2 (MANE Select); coding-DNA position 181, C replaced by G.
Protein change: p.Leu61Val; replaces leucine 61 with valine.
Molecular consequence: missense variant.
Genome position (GRCh38, 1-based): chrX:109,683,183, G>C on the plus strand (C>G on the coding strand, the complement: ACSL4 is on the minus strand). VCF-style: chrX-109683183-G-C. GRCh37 (hg19) VCF-style: chrX-108926412-G-C.
Other names: c.304C>G, p.Leu102Val (NM_001318509.2, NM_022977.3); c.181C>G, p.Leu61Val (NM_004458.3); short protein forms L102V, L61V.
Identifiers: ClinVar variation 2663155 (VCV002663155.1), dbSNP rs905948010, ClinGen allele CA334287183.